The following is an entry in ClinVar:

ClinVar aggregate classification (germline): Uncertain significance (1 of 4 stars; one submission).

Allele frequency attached by ClinVar (database versions not stated): gnomAD 0.00001; gnomAD exomes 0.00001 and 0.00002; TOPMed 0.00002.
gnomAD v4.1: 12 of 1,613,838 alleles (0.00074%); highest among the groups gnomAD compares: Non-Finnish European, 0.00076%; no homozygotes.

Submission:

Labcorp Genetics (formerly Invitae), Labcorp
Classification: Uncertain significance. Last evaluated: 2023-07-10. Review status: criteria provided, single submitter. Criteria: Invitae Variant Classification Sherloc (09022015). Collection method: clinical testing. Allele origin: germline.
Comment: In summary, the available evidence is currently insufficient to determine the role of this variant in disease. Therefore, it has been classified as a Variant of Uncertain Significance. Advanced modeling of protein sequence and biophysical properties (such as structural, functional, and spatial information, amino acid conservation, physicochemical variation, residue mobility, and thermodynamic stability) performed at Invitae indicates that this missense variant is expected to disrupt SAG protein function. ClinVar contains an entry for this variant (Variation ID: 1061562). This variant has not been reported in the literature in individuals affected with SAG-related conditions. This variant is present in population databases (no rsID available, gnomAD 0.002%). This sequence change replaces proline, which is neutral and non-polar, with leucine, which is neutral and non-polar, at codon 185 of the SAG protein (p.Pro185Leu).

NM_000541.5(SAG):c.554C>T (p.Pro185Leu)

Gene: SAG (S-antigen visual arrestin; plus strand). Cytogenetic location: 2q37.1.
Variant type: single nucleotide variant.
Coding change: c.554C>T on transcript NM_000541.5 (MANE Select); coding-DNA position 554, C replaced by T.
Protein change: p.Pro185Leu; replaces proline 185 with leucine.
Molecular consequence: missense variant.
Genome position (GRCh38, 1-based): chr2:233,328,519, C>T. VCF-style: chr2-233328519-C-T. GRCh37 (hg19) VCF-style: chr2-234237165-C-T.
Other names: short protein forms P185L.
Identifiers: ClinVar variation 1061562 (VCV001061562.7), dbSNP rs1230484361, ClinGen allele CA351047401.